The following is an entry in ClinVar:

NM_014780.5(CUL7):c.1066C>T (p.Arg356Cys)

Gene: CUL7 (cullin 7; minus strand). Cytogenetic location: 6p21.1.
Variant type: single nucleotide variant.
Coding change: c.1066C>T on transcript NM_014780.5 (MANE Select); coding-DNA position 1066, C replaced by T.
Protein change: p.Arg356Cys; replaces arginine 356 with cysteine.
Molecular consequence: missense variant.
Genome position (GRCh38, 1-based): chr6:43,051,135, G>A on the plus strand (C>T on the coding strand, the complement: CUL7 is on the minus strand). VCF-style: chr6-43051135-G-A. GRCh37 (hg19) VCF-style: chr6-43018873-G-A.
Other names: c.1162C>T, p.Arg388Cys (NM_001168370.2, NM_001374872.1); c.1066C>T, p.Arg356Cys (NM_001374873.1, NM_001374874.1); short protein forms R356C, R388C.
Identifiers: ClinVar variation 3629896 (VCV003629896.1).

ClinVar aggregate classification (germline): Uncertain significance (1 of 4 stars; one submission).

gnomAD v4.1: 21 of 1,614,206 alleles (0.0013%); highest among the groups gnomAD compares: South Asian, 0.015%; 1 homozygote.

Submission:

Women's Health and Genetics/Laboratory Corporation of America, LabCorp
Classification: Uncertain significance. Last evaluated: 2024-11-01. Review status: criteria provided, single submitter. Criteria: LabCorp Variant Classification Summary - May 2015. Collection method: clinical testing. Allele origin: germline.
Comment: Variant summary: CUL7 c.1066C>T (p.Arg356Cys) results in a non-conservative amino acid change in the encoded protein sequence. Three of five in-silico tools predict a benign effect of the variant on protein function. The variant allele was found at a frequency of 2.4e-05 in 251376 control chromosomes. The available data on variant occurrences in the general population are insufficient to allow any conclusion about variant significance. To our knowledge, no occurrence of c.1066C>T in individuals affected with Three M Syndrome 1 and no experimental evidence demonstrating its impact on protein function have been reported. No submitters have cited clinical-significance assessments for this variant to ClinVar. Based on the evidence outlined above, the variant was classified as uncertain significance.